The following is an entry in ClinVar:

NM_001036.6(RYR3):c.14099A>G (p.Glu4700Gly)

Genes: AVEN (apoptosis and caspase activation inhibitor; minus strand), RYR3 (ryanodine receptor 3; plus strand). Cytogenetic location: 15q14.
Variant type: single nucleotide variant.
Coding change: c.14099A>G on transcript NM_001036.6 (MANE Select); coding-DNA position 14099, A replaced by G.
Protein change: p.Glu4700Gly; replaces glutamic acid 4700 with glycine.
Molecular consequence: missense variant.
Genome position (GRCh38, 1-based): chr15:33,857,871, A>G. VCF-style: chr15-33857871-A-G. GRCh37 (hg19) VCF-style: chr15-34150072-A-G.
Other names: c.14084A>G, p.Glu4695Gly (NM_001243996.4); short protein forms E4695G, E4700G.
Identifiers: ClinVar variation 4851825 (VCV004851825.1).
Genomic context (GRCh38, chr15:33,857,871, plus strand): 5'-TGGTTTATCTCTATACTGTGGTGGCTTTCAACTTCTTCCGCAAGTTCTACAACAAAAGCG[A>G]AGACGATGACGAGCCCGATATGAAGTGCGACGACATGATGACGGTGAGAGCCCACCCACT-3'
Protein context (NP_001027.3, residues 4690-4710): NFFRKFYNKS[Glu4700Gly]DDDEPDMKCD

ClinVar aggregate classification (germline): Uncertain significance (1 of 4 stars; one submission).

gnomAD v4.1: 1 of 1,614,198 alleles (0.000062%); highest among the groups gnomAD compares: Admixed American, 0.0017%; no homozygotes.

Submission:

Dasa
Classification: Uncertain significance. Last evaluated: 2026-03-29. Review status: criteria provided, single submitter. Criteria: DASA Assertion Criteria. Collection method: clinical testing. Allele origin: germline.
Comment: NM_001036.6(RYR3):c.14099A>G (p.Glu4700Gly) is a missense variant that results in the substitution of glutamic acid with glycine. Multiple computational predictions support a deleterious effect on the gene or gene product. The variant is present at low frequency in population datasets. Based on the available data, this variant is classified as variant of uncertain significance.